The following is an entry in ClinVar:

ClinVar aggregate classification (germline): Uncertain significance. Review status: criteria provided, multiple submitters, no conflicts (2 of 4 stars). 2 submissions from 2 submitters: Uncertain significance (2). Last evaluated 2024-02-02.

Conditions:
Inborn genetic diseases. Identifiers: MedGen C0950123, MeSH D030342.
Glycogen storage disease due to muscle beta-enolase deficiency (GSD13). Also called: ENOLASE 3 DEFICIENCY; ENOLASE-BETA DEFICIENCY; GSD XIII; Glycogen Storage Disease Type XIII. Identifiers: Orphanet 99849, MedGen C2752027, MONDO:0013046, OMIM 612932.

Allele frequency attached by ClinVar (database versions not stated): ExAC 0.00001.
gnomAD v4.1: 41 of 1,610,052 alleles (0.0025%); highest among the groups gnomAD compares: African/African-American, 0.031%; no homozygotes.

Submissions (2):

Ambry Genetics
Classification: Uncertain significance for Inborn genetic diseases. Last evaluated: 2024-02-02. Review status: criteria provided, single submitter. Criteria: Ambry Variant Classification Scheme 2023. Collection method: clinical testing. Allele origin: germline.

Labcorp Genetics (formerly Invitae), Labcorp
Classification: Uncertain significance for Glycogen storage disease due to muscle beta-enolase deficiency. Last evaluated: 2022-05-29. Review status: criteria provided, single submitter. Criteria: Invitae Variant Classification Sherloc (09022015). Collection method: clinical testing. Allele origin: germline.
Comment: This sequence change replaces arginine, which is basic and polar, with glutamine, which is neutral and polar, at codon 32 of the ENO3 protein (p.Arg32Gln). The frequency data for this variant in the population databases is considered unreliable, as metrics indicate poor data quality at this position in the gnomAD database. This variant has not been reported in the literature in individuals affected with ENO3-related conditions. Algorithms developed to predict the effect of missense changes on protein structure and function are either unavailable or do not agree on the potential impact of this missense change (SIFT: "Deleterious"; PolyPhen-2: "Possibly Damaging"; Align-GVGD: "Class C0"). In summary, the available evidence is currently insufficient to determine the role of this variant in disease. Therefore, it has been classified as a Variant of Uncertain Significance.

NM_053013.4(ENO3):c.95G>A (p.Arg32Gln)

Gene: ENO3 (enolase 3; plus strand). Cytogenetic location: 17p13.2.
Variant type: single nucleotide variant.
Coding change: c.95G>A on transcript NM_053013.4 (MANE Select); coding-DNA position 95, G replaced by A.
Protein change: p.Arg32Gln; replaces arginine 32 with glutamine.
Molecular consequence: missense variant.
Genome position (GRCh38, 1-based): chr17:4,952,804, G>A. VCF-style: chr17-4952804-G-A. GRCh37 (hg19) VCF-style: chr17-4856099-G-A.
Other names: c.95G>A (NM_053013.3); c.95G>A, p.Arg32Gln (NM_001193503.2, NM_001374523.1, NM_001976.5); c.122G>A, p.Arg41Gln (NM_001374524.1); short protein forms R32Q, R41Q.
Identifiers: ClinVar variation 2142629 (VCV002142629.2), dbSNP rs376821730, ClinGen allele CA8316144.
Genomic context (GRCh38, chr17:4,952,804, plus strand): 5'-GGGCCACCGCGCCCAGCCATCCCTGTGATCTTCCAATTCCTCCTGTCCCAGGCCGATTCC[G>A]AGCAGCTGTGCCCAGTGGGGCTTCCACGGGTATCTATGAGGCTCTGGAACTAAGAGACGG-3'
Protein context (NP_443739.3, residues 22-42): VDLHTAKGRF[Arg32Gln]AAVPSGASTG